The following is an entry in ClinVar:

ClinVar aggregate classification (germline): Uncertain significance. Review status: criteria provided, multiple submitters, no conflicts (2 of 4 stars). 3 submissions from 3 submitters: Uncertain significance (3). Last evaluated 2024-10-24.

Conditions:
Inborn genetic diseases. Identifiers: MedGen C0950123, MeSH D030342.
Sialuria. Also called: Sialic Acid Storage Disease; SIALURIA, FRENCH TYPE. Identifiers: Orphanet 3166, MedGen C0342853, MONDO:0010028, OMIM 269921.
GNE myopathy (NM). Also called: NONAKA DISTAL MYOPATHY; IBM 2; Inclusion body myopathy autosomal recessive; Inclusion body myopathy quadriceps sparing; INCLUSION BODY MYOPATHY, HEREDITARY, AUTOSOMAL RECESSIVE; INCLUSION BODY MYOPATHY 2, AUTOSOMAL RECESSIVE. Identifiers: Orphanet 602, MedGen C1853926, MONDO:0011603, OMIM 605820.

Allele frequency attached by ClinVar (database versions not stated): gnomAD 0.00001; TOPMed 0.00001; gnomAD exomes 0.00002; ExAC 0.00003.
gnomAD v4.1: 3 of 1,606,496 alleles (0.00019%); highest among the groups gnomAD compares: East Asian, 0.0067%; no homozygotes.

Submissions (3):

Labcorp Genetics (formerly Invitae), Labcorp
Classification: Uncertain significance for Sialuria; GNE myopathy. Last evaluated: 2024-10-24. Review status: criteria provided, single submitter. Criteria: Invitae Variant Classification Sherloc (09022015). Collection method: clinical testing. Allele origin: germline.
Comment: This sequence change replaces methionine, which is neutral and non-polar, with leucine, which is neutral and non-polar, at codon 457 of the GNE protein (p.Met457Leu). This variant is present in population databases (rs750404513, gnomAD 0.04%). This variant has not been reported in the literature in individuals affected with GNE-related conditions. ClinVar contains an entry for this variant (Variation ID: 284972). Invitae Evidence Modeling of protein sequence and biophysical properties (such as structural, functional, and spatial information, amino acid conservation, physicochemical variation, residue mobility, and thermodynamic stability) has been performed for this missense variant. However, the output from this modeling did not meet the statistical confidence thresholds required to predict the impact of this variant on GNE protein function. In summary, the available evidence is currently insufficient to determine the role of this variant in disease. Therefore, it has been classified as a Variant of Uncertain Significance.

Ambry Genetics
Classification: Uncertain significance for Inborn genetic diseases. Last evaluated: 2024-03-20. Review status: criteria provided, single submitter. Criteria: Ambry Variant Classification Scheme 2023. Collection method: clinical testing. Allele origin: germline.

Eurofins Ntd Llc (ga)
Classification: Uncertain significance. Last evaluated: 2015-12-11. Review status: criteria provided, single submitter. Criteria: EGL Classification Definitions 2015. Collection method: clinical testing. Allele origin: germline. Observed: 1 variant allele, 1 heterozygote.

NM_005476.7(GNE):c.1276A>C (p.Met426Leu)

Gene: GNE (glucosamine (UDP-N-acetyl)-2-epimerase/N-acetylmannosamine kinase; minus strand). Cytogenetic location: 9p13.3.
Variant type: single nucleotide variant.
Coding change: c.1276A>C on transcript NM_005476.7 (MANE Select); coding-DNA position 1276, A replaced by C.
Protein change: p.Met426Leu; replaces methionine 426 with leucine.
Molecular consequence: missense variant.
Genome position (GRCh38, 1-based): chr9:36,227,253, T>G on the plus strand (A>C on the coding strand, the complement: GNE is on the minus strand). VCF-style: chr9-36227253-T-G. GRCh37 (hg19) VCF-style: chr9-36227250-T-G.
Other names: c.1369A>C, p.Met457Leu (NM_001128227.3); c.1276A>C, p.Met426Leu (NM_001190383.3); c.946A>C, p.Met316Leu (NM_001190384.3); c.1099A>C, p.Met367Leu (NM_001190388.2, NM_001374798.1); c.1123A>C, p.Met375Leu (NM_001374797.1); c.1369A>C (NM_001128227.2); short protein forms M457L, M426L, M316L, M375L, M367L.
Identifiers: ClinVar variation 284972 (VCV000284972.10), dbSNP rs750404513, ClinGen allele CA5056547.
Genomic context (GRCh38, chr9:36,227,253, plus strand): 5'-AAAAAATCAATCGCTCATATGGGATATAAAGTTAGGAGTTTAGGAGTTATTTTACCTTCA[T>G]GCTGACTATTGCAACTCGGAGGTTCGTCCCGCCAAGATCAACGGCCAAGGCACTTAGAGT-3'
Protein context (NP_005467.1, residues 416-436): GTNLRVAIVS[Met426Leu]KGEIVKKYTQ